The following is an entry in ClinVar:

NM_000368.5(TSC1):c.1139C>T (p.Thr380Ile)

Gene: TSC1 (TSC complex subunit 1; minus strand). Cytogenetic location: 9q34.13.
Variant type: single nucleotide variant.
Coding change: c.1139C>T on transcript NM_000368.5 (MANE Select); coding-DNA position 1139, C replaced by T.
Protein change: p.Thr380Ile; replaces threonine 380 with isoleucine.
Molecular consequence: missense variant.
Genome position (GRCh38, 1-based): chr9:132,911,004, G>A on the plus strand (C>T on the coding strand, the complement: TSC1 is on the minus strand). VCF-style: chr9-132911004-G-A. GRCh37 (hg19) VCF-style: chr9-135786391-G-A.
Other names: c.1139C>T, p.Thr380Ile (NM_001162426.2); c.986C>T, p.Thr329Ile (NM_001162427.2); c.776C>T, p.Thr259Ile (NM_001362177.2); short protein forms T380I, T329I, T259I.
Identifiers: ClinVar variation 534410 (VCV000534410.9), dbSNP rs1064796512, ClinGen allele CA375367295.

ClinVar aggregate classification (germline): Uncertain significance. Review status: criteria provided, multiple submitters, no conflicts (2 of 4 stars). 3 submissions from 3 submitters: Uncertain significance (3). Last evaluated 2026-02-06.

Conditions:
Hereditary cancer-predisposing syndrome. Also called: Neoplastic Syndromes, Hereditary; Hereditary Cancer Syndrome; Tumor predisposition; Hereditary neoplastic syndrome. Identifiers: Orphanet 140162, MedGen C0027672, MeSH D009386, MONDO:0015356.
Tuberous sclerosis 1 (TSC1). Identifiers: Orphanet 805, MedGen C1854465, MONDO:0008612, OMIM 191100.

Submissions (3):

Dasa
Classification: Uncertain significance. Last evaluated: 2026-02-06. Review status: criteria provided, single submitter. Criteria: DASA Assertion Criteria. Collection method: clinical testing. Allele origin: germline.
Comment: NM_000368.5(TSC1):c.1139C>T (p.Thr380Ile) is a missense variant that results in the substitution of threonine with isoleucine. This variant is absent from population databases. Computational prediction algorithms are consistent with a deleterious effect. The currently available literature and clinical evidence are not sufficient to establish a definitive association between this variant and the reported condition. Therefore, this variant is classified as a variant of uncertain significance.

Ambry Genetics
Classification: Uncertain significance for Hereditary cancer-predisposing syndrome. Last evaluated: 2025-06-22. Review status: criteria provided, single submitter. Criteria: Ambry Variant Classification Scheme 2023. Collection method: clinical testing. Allele origin: germline.
Comment: The p.T380I variant (also known as c.1139C>T), located in coding exon 9 of the TSC1 gene, results from a C to T substitution at nucleotide position 1139. The threonine at codon 380 is replaced by isoleucine, an amino acid with similar properties. This amino acid position is conserved. In addition, this alteration is predicted to be tolerated by in silico analysis. Based on the available evidence, the clinical significance of this variant remains unclear.

Labcorp Genetics (formerly Invitae), Labcorp
Classification: Uncertain significance for Tuberous sclerosis 1. Last evaluated: 2024-10-29. Review status: criteria provided, single submitter. Criteria: Invitae Variant Classification Sherloc (09022015). Collection method: clinical testing. Allele origin: germline.
Comment: This sequence change replaces threonine, which is neutral and polar, with isoleucine, which is neutral and non-polar, at codon 380 of the TSC1 protein (p.Thr380Ile). This variant is not present in population databases (gnomAD no frequency). This variant has not been reported in the literature in individuals affected with TSC1-related conditions. ClinVar contains an entry for this variant (Variation ID: 534410). Invitae Evidence Modeling of protein sequence and biophysical properties (such as structural, functional, and spatial information, amino acid conservation, physicochemical variation, residue mobility, and thermodynamic stability) indicates that this missense variant is not expected to disrupt TSC1 protein function with a negative predictive value of 95%. In summary, the available evidence is currently insufficient to determine the role of this variant in disease. Therefore, it has been classified as a Variant of Uncertain Significance.